The following is an entry in ClinVar:

NM_000551.4(VHL):c.435G>A (p.Gln145=)

Genes: VHL (von Hippel-Lindau tumor suppressor; plus strand), LOC107303340 (3p25 von Hippel-Lindau tumor suppressor, E3 ubiquitin protein ligase Alu-mediated recombination region; plus strand). Cytogenetic location: 3p25.3.
Variant type: single nucleotide variant.
Coding change: c.435G>A on transcript NM_000551.4 (MANE Select); coding-DNA position 435, G replaced by A.
Protein change: p.Gln145=; no amino-acid change (glutamine 145 retained).
Molecular consequence: synonymous variant. On other transcripts: non-coding transcript variant (1), intron variant (2).
Genome position (GRCh38, 1-based): chr3:10,146,608, G>A. VCF-style: chr3-10146608-G-A. GRCh37 (hg19) VCF-style: chr3-10188292-G-A.
Other names: c.*18-3179G>A (NM_001354723.2); c.341-3179G>A (NM_198156.3).
Identifiers: ClinVar variation 1740000 (VCV001740000.3), dbSNP rs771727849, ClinGen allele CA040992.
Genomic context (GRCh38, chr3:10,146,608, plus strand): 5'-CGATGGGCTTCTGGTTAACCAAACTGAATTATTTGTGCCATCTCTCAATGTTGACGGACA[G>A]CCTATTTTTGCCAATATCACACTGCCAGGTACTGACGTTTTACTTTTTAAAAAGATAAGG-3'
Protein context (NP_000542.1, residues 135-155): LFVPSLNVDG[Gln145=]PIFANITLPV

ClinVar aggregate classification (germline): Benign/Likely benign. Review status: criteria provided, multiple submitters, no conflicts (2 of 4 stars). 2 submissions from 2 submitters: Benign (1); Likely benign (1). Last evaluated 2025-06-12.

Conditions:
Hereditary cancer-predisposing syndrome. Also called: Neoplastic Syndromes, Hereditary; Tumor predisposition; Hereditary Cancer Syndrome; Hereditary neoplastic syndrome. Identifiers: Orphanet 140162, MedGen C0027672, MeSH D009386, MONDO:0015356.
Von Hippel-Lindau syndrome (VHLS). Also called: von Hippel–Lindau syndrome; VHL syndrome; Von Hippel-Lindau. Identifiers: Orphanet 892, MedGen C0019562, MONDO:0008667, OMIM 193300. Disease mechanism: loss of function.

Allele frequency attached by ClinVar (database versions not stated): gnomAD exomes below 0.00001; ExAC 0.00001.
gnomAD v4.1: 2 of 1,613,976 alleles (0.00012%); highest among the groups gnomAD compares: Non-Finnish European, 0.00017%; no homozygotes.

Submissions (2):

Myriad Genetics, Inc.
Classification: Benign for Von Hippel-Lindau syndrome. Last evaluated: 2025-06-12. Review status: criteria provided, single submitter. Criteria: Myriad Autosomal Dominant, Autosomal Recessive and X-Linked Classification Criteria (2023). Collection method: clinical testing. Allele origin: unknown.
Comment: This variant is considered benign. This variant is a silent/synonymous amino acid change and it is not expected to impact splicing.

Ambry Genetics
Classification: Likely benign for Hereditary cancer-predisposing syndrome. Last evaluated: 2021-07-12. Review status: criteria provided, single submitter. Criteria: Ambry Variant Classification Scheme 2023. Collection method: clinical testing. Allele origin: germline.